The following is an entry in ClinVar:

NM_001370785.2(LRRC7):c.3294A>C (p.Gln1098His)

Genes: LRRC7 (leucine rich repeat containing 7; plus strand), LRRC7-AS1 (LRRC7 antisense RNA 1; minus strand). Cytogenetic location: 1p31.1.
Variant type: single nucleotide variant.
Coding change: c.3294A>C on transcript NM_001370785.2 (MANE Select); coding-DNA position 3294, A replaced by C.
Protein change: p.Gln1098His; replaces glutamine 1098 with histidine.
Molecular consequence: missense variant.
Genome position (GRCh38, 1-based): chr1:70,039,118, A>C. VCF-style: chr1-70039118-A-C. GRCh37 (hg19) VCF-style: chr1-70504801-A-C.
Other names: NM_020794.2:c.3180A>C; c.3195A>C, p.Gln1065His (NM_001330635.3, NM_001366841.1); c.3297A>C, p.Gln1099His (NM_001350216.3); c.3294A>C, p.Gln1098His (NM_001366838.3); c.3135A>C, p.Gln1045His (NM_001366839.3); short protein forms Q1045H, Q1065H, Q1098H, Q1099H.
Identifiers: ClinVar variation 5018180 (VCV005018180.1).

ClinVar aggregate classification (germline): Uncertain significance (1 of 4 stars; one submission).

gnomAD v4.1: 4 of 1,614,140 alleles (0.00025%); highest among the groups gnomAD compares: East Asian, 0.0089%; no homozygotes.

Submission:

GeneDx
Classification: Uncertain significance. Last evaluated: 2026-04-02. Review status: criteria provided, single submitter. Criteria: GeneDx Variant Classification Process June 2021. Collection method: clinical testing. Allele origin: germline.
Comment: Not observed at significant frequency in large population cohorts (gnomAD); In silico analysis suggests that this missense variant does not alter protein structure/function; Has not been previously published as pathogenic or benign to our knowledge